The following is an entry in ClinVar:

ClinVar aggregate classification (germline): Uncertain significance. Review status: criteria provided, multiple submitters, no conflicts (2 of 4 stars). 2 submissions from 2 submitters: Uncertain significance (2). Last evaluated 2024-07-24.

Conditions:
Duchenne muscular dystrophy (DMD). Also called: Duchenne Muscular Dystrophy (DMD); MUSCULAR DYSTROPHY, PSEUDOHYPERTROPHIC PROGRESSIVE, DUCHENNE TYPE. Identifiers: Orphanet 98896, MedGen C0013264, MONDO:0010679, OMIM 310200.

gnomAD v4.1: 2 of 1,208,935 alleles (0.00017%); highest among the groups gnomAD compares: Non-Finnish European, 0.00011%; no homozygotes.

Submissions (2):

Labcorp Genetics (formerly Invitae), Labcorp
Classification: Uncertain significance for Duchenne muscular dystrophy. Last evaluated: 2024-07-24. Review status: criteria provided, single submitter. Criteria: Invitae Variant Classification Sherloc (09022015). Collection method: clinical testing. Allele origin: germline.
Comment: This sequence change replaces glutamic acid, which is acidic and polar, with lysine, which is basic and polar, at codon 197 of the DMD protein (p.Glu197Lys). This variant is not present in population databases (gnomAD no frequency). This variant has not been reported in the literature in individuals affected with DMD-related conditions. Advanced modeling of protein sequence and biophysical properties (such as structural, functional, and spatial information, amino acid conservation, physicochemical variation, residue mobility, and thermodynamic stability) performed at Invitae indicates that this missense variant is not expected to disrupt DMD protein function with a negative predictive value of 95%. In summary, the available evidence is currently insufficient to determine the role of this variant in disease. Therefore, it has been classified as a Variant of Uncertain Significance.

GeneDx
Classification: Uncertain significance. Last evaluated: 2024-07-03. Review status: criteria provided, single submitter. Criteria: GeneDx Variant Classification Process June 2021. Collection method: clinical testing. Allele origin: germline. Affected: yes.
Comment: Not observed at significant frequency in large population cohorts (gnomAD); In silico analysis supports that this missense variant has a deleterious effect on protein structure/function; Missense variant in a gene in which most reported pathogenic variants are truncating/loss of function; Has not been previously published as pathogenic or benign to our knowledge

NM_004006.3(DMD):c.589G>A (p.Glu197Lys)

Gene: DMD (dystrophin; minus strand). Cytogenetic location: Xp21.1.
Variant type: single nucleotide variant.
Coding change: c.589G>A on transcript NM_004006.3 (MANE Select); coding-DNA position 589, G replaced by A.
Protein change: p.Glu197Lys; replaces glutamic acid 197 with lysine.
Molecular consequence: missense variant.
Genome position (GRCh38, 1-based): chrX:32,809,553, C>T on the plus strand (G>A on the coding strand, the complement: DMD is on the minus strand). VCF-style: chrX-32809553-C-T. GRCh37 (hg19) VCF-style: chrX-32827670-C-T.
Other names: c.565G>A, p.Glu189Lys (NM_000109.4); c.577G>A, p.Glu193Lys (NM_004009.3); c.220G>A, p.Glu74Lys (NM_004010.3); short protein forms E189K, E74K, E193K, E197K.
Identifiers: ClinVar variation 3393614 (VCV003393614.3).